The following is an entry in ClinVar:

ClinVar aggregate classification (germline): Uncertain significance (1 of 4 stars; one submission).

Conditions:
Landau-Kleffner syndrome (FESD). Also called: EPILEPSY, FOCAL, WITH SPEECH DISORDER AND WITH OR WITHOUT MENTAL RETARDATION; APHASIA, ACQUIRED, WITH EPILEPSY. Identifiers: Orphanet 1945, Orphanet 725, Orphanet 98818, MedGen C0282512, MONDO:0009509, OMIM 245570.

Allele frequency attached by ClinVar (database versions not stated): gnomAD exomes below 0.00001.
gnomAD v4.1: 1 of 1,614,158 alleles (0.000062%); highest among the groups gnomAD compares: Non-Finnish European, 0.000085%; no homozygotes.

Submission:

Labcorp Genetics (formerly Invitae), Labcorp
Classification: Uncertain significance for Landau-Kleffner syndrome. Last evaluated: 2022-07-26. Review status: criteria provided, single submitter. Criteria: Invitae Variant Classification Sherloc (09022015). Collection method: clinical testing. Allele origin: germline.
Comment: In summary, the available evidence is currently insufficient to determine the role of this variant in disease. Therefore, it has been classified as a Variant of Uncertain Significance. Advanced modeling of protein sequence and biophysical properties (such as structural, functional, and spatial information, amino acid conservation, physicochemical variation, residue mobility, and thermodynamic stability) performed at Invitae indicates that this missense variant is not expected to disrupt GRIN2A protein function. ClinVar contains an entry for this variant (Variation ID: 935465). This variant has not been reported in the literature in individuals affected with GRIN2A-related conditions. This variant is present in population databases (no rsID available, gnomAD 0.0009%). This sequence change replaces glutamine, which is neutral and polar, with histidine, which is basic and polar, at codon 1268 of the GRIN2A protein (p.Gln1268His).

NM_001134407.3(GRIN2A):c.3804G>T (p.Gln1268His)

Gene: GRIN2A (glutamate ionotropic receptor NMDA type subunit 2A; minus strand). Cytogenetic location: 16p13.2.
Variant type: single nucleotide variant.
Coding change: c.3804G>T on transcript NM_001134407.3 (MANE Select); coding-DNA position 3804, G replaced by T.
Protein change: p.Gln1268His; replaces glutamine 1268 with histidine.
Molecular consequence: missense variant. On other transcripts: intron variant (1).
Genome position (GRCh38, 1-based): chr16:9,763,740, C>A on the plus strand (G>T on the coding strand, the complement: GRIN2A is on the minus strand). VCF-style: chr16-9763740-C-A. GRCh37 (hg19) VCF-style: chr16-9857597-C-A.
Other names: c.3804G>T, p.Gln1268His (NM_000833.5); c.3772+32G>T (NM_001134408.2); short protein forms Q1268H.
Identifiers: ClinVar variation 935465 (VCV000935465.10), dbSNP rs1303683757, ClinGen allele CA394706814.